The following is an entry in ClinVar:

ClinVar aggregate classification (germline): Uncertain significance. Review status: criteria provided, multiple submitters, no conflicts (2 of 4 stars). 2 submissions from 2 submitters: Uncertain significance (2). Last evaluated 2025-05-22.

Allele frequency attached by ClinVar (database versions not stated): gnomAD 0.00009; 1000 Genomes Project 30x 0.00016; TOPMed 0.00019; 1000 Genomes Project 0.00020; ESP Exome Variant Server 0.00023; ExAC 0.00024.
gnomAD v4.1: 287 of 1,612,602 alleles (0.018%); highest among the groups gnomAD compares: Non-Finnish European, 0.023%; 1 homozygote.

Submissions (2):

Labcorp Genetics (formerly Invitae), Labcorp
Classification: Uncertain significance. Last evaluated: 2025-05-22. Review status: criteria provided, single submitter. Criteria: Invitae Variant Classification Sherloc (09022015). Collection method: clinical testing. Allele origin: germline.
Comment: This sequence change replaces isoleucine, which is neutral and non-polar, with threonine, which is neutral and polar, at codon 193 of the ZNF143 protein (p.Ile193Thr). This variant is present in population databases (rs137963732, gnomAD 0.04%). This variant has not been reported in the literature in individuals affected with ZNF143-related conditions. ClinVar contains an entry for this variant (Variation ID: 2070200). An algorithm developed to predict the effect of missense changes on protein structure and function (PolyPhen-2) suggests that this variant is likely to be tolerated. In summary, the available evidence is currently insufficient to determine the role of this variant in disease. Therefore, it has been classified as a Variant of Uncertain Significance.

Ambry Genetics
Classification: Uncertain significance. Last evaluated: 2024-04-01. Review status: criteria provided, single submitter. Criteria: Ambry Variant Classification Scheme 2023. Collection method: clinical testing. Allele origin: germline.

NM_003442.6(ZNF143):c.578T>C (p.Ile193Thr)

Gene: ZNF143 (zinc finger protein 143; plus strand). Cytogenetic location: 11p15.4.
Variant type: single nucleotide variant.
Coding change: c.578T>C on transcript NM_003442.6 (MANE Select); coding-DNA position 578, T replaced by C.
Protein change: p.Ile193Thr; replaces isoleucine 193 with threonine.
Molecular consequence: missense variant.
Genome position (GRCh38, 1-based): chr11:9,479,479, T>C. VCF-style: chr11-9479479-T-C. GRCh37 (hg19) VCF-style: chr11-9501026-T-C.
Other names: c.575T>C, p.Ile192Thr (NM_001282656.2); c.485T>C, p.Ile162Thr (NM_001282657.2); c.578T>C (NM_003442.5); short protein forms I162T, I193T, I192T.
Identifiers: ClinVar variation 2070200 (VCV002070200.5), dbSNP rs137963732, ClinGen allele CA5879412.